The following is an entry in ClinVar:

NM_004656.4(BAP1):c.1721C>T (p.Ala574Val)

Gene: BAP1 (BRCA1 associated deubiquitinase 1; minus strand). Cytogenetic location: 3p21.1.
Variant type: single nucleotide variant.
Coding change: c.1721C>T on transcript NM_004656.4 (MANE Select); coding-DNA position 1721, C replaced by T.
Protein change: p.Ala574Val; replaces alanine 574 with valine.
Molecular consequence: missense variant.
Genome position (GRCh38, 1-based): chr3:52,403,424, G>A on the plus strand (C>T on the coding strand, the complement: BAP1 is on the minus strand). VCF-style: chr3-52403424-G-A. GRCh37 (hg19) VCF-style: chr3-52437440-G-A.
Other names: short protein forms A574V.
Identifiers: ClinVar variation 412422 (VCV000412422.28), dbSNP rs761596789, ClinGen allele CA2436751.

ClinVar aggregate classification (germline): Conflicting classifications of pathogenicity. Review status: criteria provided, conflicting classifications (1 of 4 stars). 9 submissions from 9 submitters: Uncertain significance (5); Benign (1); Likely benign (2). 1 of the submissions does not count toward it. Last evaluated 2026-01-11.

Conditions:
BAP1-related disorder. Also called: BAP1-related condition.
Hereditary cancer-predisposing syndrome. Also called: Neoplastic Syndromes, Hereditary; Tumor predisposition; Hereditary Cancer Syndrome; Hereditary neoplastic syndrome. Identifiers: Orphanet 140162, MedGen C0027672, MeSH D009386, MONDO:0015356.
BAP1-related tumor predisposition syndrome (TPDS1). Also called: Tumor susceptibility linked to germline BAP1 mutations; BAP1 tumor predisposition syndrome; COMMON Syndrome; TUMOR PREDISPOSITION SYNDROME 1. Identifiers: Orphanet 289539, MedGen C3280492, MONDO:0013692, OMIM 614327.

Allele frequency attached by ClinVar (database versions not stated): ExAC 0.00001; gnomAD 0.00001; TOPMed 0.00001; gnomAD exomes 0.00002.

Submissions (9):

Labcorp Genetics (formerly Invitae), Labcorp
Classification: Uncertain significance for BAP1-related tumor predisposition syndrome. Last evaluated: 2026-01-11. Review status: criteria provided, single submitter. Criteria: Invitae Variant Classification Sherloc (09022015). Collection method: clinical testing. Allele origin: germline.
Comment: This sequence change replaces alanine, which is neutral and non-polar, with valine, which is neutral and non-polar, at codon 574 of the BAP1 protein (p.Ala574Val). This variant is present in population databases (rs761596789, gnomAD 0.003%). This missense change has been observed in individual(s) with uveal melanoma (PMID: 25974357). ClinVar contains an entry for this variant (Variation ID: 412422). Invitae Evidence Modeling of protein sequence and biophysical properties (such as structural, functional, and spatial information, amino acid conservation, physicochemical variation, residue mobility, and thermodynamic stability) indicates that this missense variant is not expected to disrupt BAP1 protein function with a negative predictive value of 80%. Experimental studies have shown that this missense change does not substantially affect BAP1 function (PMID: 28062663). In summary, the available evidence is currently insufficient to determine the role of this variant in disease. Therefore, it has been classified as a Variant of Uncertain Significance.

Color Diagnostics, LLC DBA Color Health
Classification: Likely benign for Hereditary cancer-predisposing syndrome. Last evaluated: 2025-12-10. Review status: criteria provided, single submitter. Criteria: ACMG Guidelines, 2015. Collection method: clinical testing. Allele origin: germline.

PreventionGenetics, part of Exact Sciences
Classification: Uncertain significance for BAP1-related condition. Last evaluated: 2025-10-10. Review status: criteria provided, single submitter. Criteria: ACMG Guidelines, 2015. Collection method: clinical testing. Allele origin: germline.
Comment: The BAP1 c.1721C>T variant is predicted to result in the amino acid substitution p.Ala574Val. This variant was reported in an individual with uveal melanoma (Table 1,Gupta et al. 2015. PubMed ID: 25974357) and also in a control individual (Table 1, O'Shea et al. 2017. PubMed ID: 28062663). This variant is reported in 0.0033% of alleles in individuals of South Asian descent in gnomAD and has conflicting interpretations of pathogenicity in ClinVar ranging from uncertain significance to benign (Variation ID: 412422). At this time, the clinical significance of this variant is uncertain due to the absence of conclusive functional and genetic evidence.

Ambry Genetics
Classification: Benign for Hereditary cancer-predisposing syndrome. Last evaluated: 2025-03-12. Review status: criteria provided, single submitter. Criteria: Ambry Variant Classification Scheme 2023. Collection method: clinical testing. Allele origin: germline.

Myriad Genetics, Inc.
Classification: Likely benign for BAP1-related tumor predisposition syndrome. Last evaluated: 2024-07-17. Review status: criteria provided, single submitter. Criteria: Myriad Autosomal Dominant, Autosomal Recessive and X-Linked Classification Criteria (2023). Collection method: clinical testing. Allele origin: unknown.
Comment: This variant is considered likely benign. This variant has been observed at a population frequency that is significantly greater than expected given the associated disease prevalence and penetrance.

Baylor Genetics
Classification: Uncertain significance for BAP1-related tumor predisposition syndrome. Last evaluated: 2024-03-13. Review status: criteria provided, single submitter. Criteria: ACMG Guidelines, 2015. Collection method: clinical testing. Allele origin: unknown.

Quest Diagnostics Nichols Institute San Juan Capistrano
Classification: Uncertain significance. Last evaluated: 2023-05-26. Review status: criteria provided, single submitter. Criteria: Quest Diagnostics criteria. Collection method: clinical testing. Allele origin: unknown.
Comment: In the published literature, this variant has been reported in an individual with uveal melanoma (PMID: 25974357 (2015)) as well as unaffected individuals (PMID: 34426522 (2021), 28062663 (2017)). The frequency of this variant in the general population, 0.000016 (4/250416 chromosomes (Genome Aggregation Database)), is uninformative in the assessment of its pathogenicity. Analysis of this variant using bioinformatics tools for the prediction of the effect of amino acid changes on protein structure and function yielded conflicting predictions that this variant is benign or damaging. Based on the available information, we are unable to determine the clinical significance of this variant.

GeneDx
Classification: Uncertain significance. Last evaluated: 2022-06-08. Review status: criteria provided, single submitter. Criteria: GeneDx Variant Classification Process June 2021. Collection method: clinical testing. Allele origin: germline. Affected: yes.
Comment: Not observed at significant frequency in large population cohorts (gnomAD); In silico analysis supports that this missense variant does not alter protein structure/function; Observed in individuals with melanoma and also in unaffected controls (Gupta 2015, O'Shea 2017); This variant is associated with the following publications: (PMID: 25974357, 28062663, 34426522)

Department of Pathology and Laboratory Medicine, Sinai Health System
Classification: Uncertain significance. Review status: no assertion criteria provided. Collection method: clinical testing. Allele origin: unknown. Affected: yes. Study: The Canadian Open Genetics Repository (COGR). Not counted in ClinVar's aggregate classification.

Literature cited by the submitters: PubMed 25974357 (cited by 3 submitters); PubMed 28062663 (cited by 3 submitters); PubMed 38969833 (cited by Ambry Genetics); PubMed 34426522 (cited by Quest Diagnostics Nichols Institute San Juan Capistrano).